The following is an entry in ClinVar:

NM_005085.4(NUP214):c.5122T>G (p.Phe1708Val)

Gene: NUP214 (nucleoporin 214; plus strand). Cytogenetic location: 9q34.13.
Variant type: single nucleotide variant.
Coding change: c.5122T>G on transcript NM_005085.4 (MANE Select); coding-DNA position 5122, T replaced by G.
Protein change: p.Phe1708Val; replaces phenylalanine 1708 with valine.
Molecular consequence: missense variant.
Genome position (GRCh38, 1-based): chr9:131,198,616, T>G. VCF-style: chr9-131198616-T-G. GRCh37 (hg19) VCF-style: chr9-134074003-T-G.
Other names: c.5092T>G, p.Phe1698Val (NM_001318324.2); c.1600T>G, p.Phe534Val (NM_001318325.2); short protein forms F1698V, F1708V, F534V.
Identifiers: ClinVar variation 2446102 (VCV002446102.2), dbSNP rs772935326, ClinGen allele CA5290085.
Genomic context (GRCh38, chr9:131,198,616, plus strand): 5'-CAGCAGACTGGTAGCACAGCCAGCACAGCAGCTGCCACACCACAGGTCAGCAGCTCAGGG[T>G]TTAGCAGCCCAGCTTTTGGTACCACAGCCCCAGGGGTCTTTGGACAGACAACCTTCGGGC-3'
Protein context (NP_005076.3, residues 1698-1718): AATPQVSSSG[Phe1708Val]SSPAFGTTAP

ClinVar aggregate classification (germline): Uncertain significance. Review status: criteria provided, multiple submitters, no conflicts (2 of 4 stars). 2 submissions from 2 submitters: Uncertain significance (2). Last evaluated 2024-05-24.

Allele frequency attached by ClinVar (database versions not stated): gnomAD exomes below 0.00001; ExAC 0.00001.
gnomAD v4.1: 3 of 1,614,158 alleles (0.00019%); highest among the groups gnomAD compares: South Asian, 0.0022%; no homozygotes.

Submissions (2):

Ambry Genetics
Classification: Uncertain significance. Last evaluated: 2024-05-24. Review status: criteria provided, single submitter. Criteria: Ambry Variant Classification Scheme 2023. Collection method: clinical testing. Allele origin: germline.

GeneDx
Classification: Uncertain significance. Last evaluated: 2022-09-21. Review status: criteria provided, single submitter. Criteria: GeneDx Variant Classification Process June 2021. Collection method: clinical testing. Allele origin: germline. Affected: yes.
Comment: In silico analysis supports that this missense variant has a deleterious effect on protein structure/function; Has not been previously published as pathogenic or benign to our knowledge; Not observed at significant frequency in large population cohorts (gnomAD)